The following is an entry in ClinVar:

ClinVar aggregate classification (germline): Pathogenic (1 of 4 stars; one submission).

Conditions:
Cohen syndrome (COH1). Also called: PEPPER SYNDROME; Cutis verticis gyrata, retinitis pigmentosa, and sensorineural deafness. Identifiers: Orphanet 193, MedGen C0265223, MONDO:0008999, OMIM 216550.

Submission:

Labcorp Genetics (formerly Invitae), Labcorp
Classification: Pathogenic for Cohen syndrome. Last evaluated: 2021-02-12. Review status: criteria provided, single submitter. Criteria: Invitae Variant Classification Sherloc (09022015). Collection method: clinical testing. Allele origin: germline.
Comment: For these reasons, this variant has been classified as Pathogenic. Loss-of-function variants in VPS13B are known to be pathogenic (PMID: 15141358, 16648375, 20461111). This variant has not been reported in the literature in individuals with VPS13B-related conditions. This variant is an out-of-frame deletion of the genomic region encompassing exons 31-35 of the VPS13B gene. This is expected to create a premature translational stop signal and result in an absent or disrupted protein product.

Literature cited by the submitters: PubMed 15141358; PubMed 16648375; PubMed 20461111.

NC_000008.10:g.(?_100568668)_(100673729_?)del

Gene: VPS13B (vacuolar protein sorting 13 homolog B; plus strand). Cytogenetic location: 8q22.2.
Variant type: Deletion.
Identifiers: ClinVar variation 1456593 (VCV001456593.4).